The following is an entry in ClinVar:

ClinVar aggregate classification (germline): Likely pathogenic (1 of 4 stars; one submission).

Conditions:
Congenital muscular hypertrophy-cerebral syndrome (CDLS2). Also called: SMC1A-Related Cornelia de Lange Syndrome; Cornelia de Lange syndrome 2. Identifiers: Orphanet 199, MedGen C1802395, MONDO:0010370, OMIM 300590.

Submission:

Labcorp Genetics (formerly Invitae), Labcorp
Classification: Likely pathogenic for Congenital muscular hypertrophy-cerebral syndrome. Last evaluated: 2018-07-17. Review status: criteria provided, single submitter. Criteria: Invitae Variant Classification Sherloc (09022015). Collection method: clinical testing. Allele origin: germline.
Comment: This sequence change affects an acceptor splice site in intron 14 of the SMC1A gene. It is expected to disrupt RNA splicing and likely results in an absent or disrupted protein product. This variant is not present in population databases (ExAC no frequency). This variant has not been reported in the literature in individuals with SMC1A-related disease. Algorithms developed to predict the effect of sequence changes on RNA splicing suggest that this variant may disrupt the consensus splice site, but this prediction has not been confirmed by published transcriptional studies. Donor and acceptor splice site variants typically lead to a loss of protein function (PMID: 16199547), and loss-of-function variants in SMC1A are known to be pathogenic (PMID: 26358754, 26386245, 27334371). In summary, the currently available evidence indicates that the variant is pathogenic, but additional data are needed to prove that conclusively. Therefore, this variant has been classified as Likely Pathogenic.

Literature cited by the submitters: PubMed 16199547; PubMed 26358754; PubMed 26386245; PubMed 27334371.

NM_006306.4(SMC1A):c.2314-2A>G

Gene: SMC1A (structural maintenance of chromosomes 1A; minus strand). Cytogenetic location: Xp11.22.
Variant type: single nucleotide variant.
Coding change: c.2314-2A>G on transcript NM_006306.4 (MANE Select); the canonical splice acceptor site of the intron before coding-DNA position 2314, A replaced by G.
Molecular consequence: splice acceptor variant.
Genome position (GRCh38, 1-based): chrX:53,403,674, T>C on the plus strand (A>G on the coding strand, the complement: SMC1A is on the minus strand). VCF-style: chrX-53403674-T-C. GRCh37 (hg19) VCF-style: chrX-53430606-T-C.
Other names: c.2248-2A>G (NM_001281463.1).
Identifiers: ClinVar variation 639215 (VCV000639215.7), dbSNP rs1602409271, ClinGen allele CA413251143.